The following is an entry in ClinVar:

ClinVar aggregate classification (germline): Uncertain significance (1 of 4 stars; one submission).

Conditions:
Hereditary cancer-predisposing syndrome. Also called: Hereditary Cancer Syndrome; Tumor predisposition; Hereditary neoplastic syndrome; Neoplastic Syndromes, Hereditary. Identifiers: Orphanet 140162, MedGen C0027672, MeSH D009386, MONDO:0015356.
Cardiovascular phenotype. Identifiers: MedGen CN230736.

Submission:

Ambry Genetics
Classification: Uncertain significance for Cardiovascular phenotype; Hereditary cancer-predisposing syndrome. Last evaluated: 2024-10-19. Review status: criteria provided, single submitter. Criteria: Ambry Variant Classification Scheme 2023. Collection method: clinical testing. Allele origin: germline.
Comment: The p.T594P variant (also known as c.1780A>C), located in coding exon 16 of the NF1 gene, results from an A to C substitution at nucleotide position 1780. The threonine at codon 594 is replaced by proline, an amino acid with highly similar properties. This amino acid position is conserved. In addition, this alteration is predicted to be deleterious by in silico analysis. Based on the available evidence, the clinical significance of this variant remains unclear.

NM_001042492.3(NF1):c.1780A>C (p.Thr594Pro)

Gene: NF1 (neurofibromin 1; plus strand). Cytogenetic location: 17q11.2.
Variant type: single nucleotide variant.
Coding change: c.1780A>C on transcript NM_001042492.3 (MANE Select); coding-DNA position 1780, A replaced by C.
Protein change: p.Thr594Pro; replaces threonine 594 with proline.
Molecular consequence: missense variant.
Genome position (GRCh38, 1-based): chr17:31,223,502, A>C. VCF-style: chr17-31223502-A-C. GRCh37 (hg19) VCF-style: chr17-29550520-A-C.
Other names: c.1780A>C, p.Thr594Pro (NM_000267.4); short protein forms T594P.
Identifiers: ClinVar variation 3404809 (VCV003404809.1).